The following is an entry in ClinVar:

ClinVar aggregate classification (germline): Uncertain significance (1 of 4 stars; one submission).

Allele frequency attached by ClinVar (database versions not stated): gnomAD exomes below 0.00001.
gnomAD v4.1: 4 of 1,614,080 alleles (0.00025%); highest among the groups gnomAD compares: Non-Finnish European, 0.00034%; no homozygotes.

Submission:

Labcorp Genetics (formerly Invitae), Labcorp
Classification: Uncertain significance. Last evaluated: 2022-02-24. Review status: criteria provided, single submitter. Criteria: Invitae Variant Classification Sherloc (09022015). Collection method: clinical testing. Allele origin: germline.
Comment: This sequence change replaces isoleucine, which is neutral and non-polar, with asparagine, which is neutral and polar, at codon 1745 of the ABCA4 protein (p.Ile1745Asn). This variant is present in population databases (no rsID available, gnomAD 0.0009%). This variant has not been reported in the literature in individuals affected with ABCA4-related conditions. Advanced modeling of protein sequence and biophysical properties (such as structural, functional, and spatial information, amino acid conservation, physicochemical variation, residue mobility, and thermodynamic stability) performed at Invitae indicates that this missense variant is expected to disrupt ABCA4 protein function. In summary, the available evidence is currently insufficient to determine the role of this variant in disease. Therefore, it has been classified as a Variant of Uncertain Significance.

NM_000350.3(ABCA4):c.5234T>A (p.Ile1745Asn)

Gene: ABCA4 (ATP binding cassette subfamily A member 4; minus strand). Cytogenetic location: 1p22.1.
Variant type: single nucleotide variant.
Coding change: c.5234T>A on transcript NM_000350.3 (MANE Select); coding-DNA position 5234, T replaced by A.
Protein change: p.Ile1745Asn; replaces isoleucine 1745 with asparagine.
Molecular consequence: missense variant.
Genome position (GRCh38, 1-based): chr1:94,015,817, A>T on the plus strand (T>A on the coding strand, the complement: ABCA4 is on the minus strand). VCF-style: chr1-94015817-A-T. GRCh37 (hg19) VCF-style: chr1-94481373-A-T.
Other names: c.5012T>A, p.Ile1671Asn (NM_001425324.1); short protein forms I1745N, I1671N.
Identifiers: ClinVar variation 1356455 (VCV001356455.5), dbSNP rs1232880489, ClinGen allele CA341281706.